The following is an entry in ClinVar:

ClinVar aggregate classification (germline): Uncertain significance (1 of 4 stars; one submission).

Conditions:
Inborn genetic diseases. Identifiers: MedGen C0950123, MeSH D030342.

Submission:

Ambry Genetics
Classification: Uncertain significance for Inborn genetic diseases. Last evaluated: 2025-10-23. Review status: criteria provided, single submitter. Criteria: Ambry Variant Classification Scheme 2023. Collection method: clinical testing. Allele origin: germline.
Comment: The c.3506G>T (p.G1169V) alteration is located in exon 27 (coding exon 26) of the ABCB4 gene. This alteration results from a G to T substitution at nucleotide position 3506, causing the glycine (G) at amino acid position 1169 to be replaced by a valine (V). This variant was not reported in population-based cohorts in the Genome Aggregation Database (gnomAD). This amino acid position is highly conserved in available vertebrate species. This alteration is predicted to be deleterious by in silico analysis. Based on insufficient or conflicting evidence, the clinical significance of this alteration remains unclear.

NM_000443.4(ABCB4):c.3506G>T (p.Gly1169Val)

Gene: ABCB4 (ATP binding cassette subfamily B member 4; minus strand). Cytogenetic location: 7q21.12.
Variant type: single nucleotide variant.
Coding change: c.3506G>T on transcript NM_000443.4 (MANE Select); coding-DNA position 3506, G replaced by T.
Protein change: p.Gly1169Val; replaces glycine 1169 with valine.
Molecular consequence: missense variant.
Genome position (GRCh38, 1-based): chr7:87,403,262, C>A on the plus strand (G>T on the coding strand, the complement: ABCB4 is on the minus strand). VCF-style: chr7-87403262-C-A. GRCh37 (hg19) VCF-style: chr7-87032578-C-A.
Other names: c.3527G>T, p.Gly1176Val (NM_018849.3); c.3365G>T, p.Gly1122Val (NM_018850.3); short protein forms G1122V, G1169V, G1176V.
Identifiers: ClinVar variation 4102064 (VCV004102064.2).